The following is an entry in ClinVar:

ClinVar aggregate classification (germline): Likely pathogenic (1 of 4 stars; one submission).

Conditions:
Developmental and epileptic encephalopathy, 54. Also called: Epileptic encephalopathy, early infantile, 54; HNRNPU-Related Neurodevelopmental Disorder. Identifiers: MedGen C4479319, MONDO:0033363, OMIM 617391.

Submission:

OLLIN Analises Genomicas, OLLIN
Classification: Likely pathogenic for Developmental and epileptic encephalopathy, 54. Last evaluated: 2026-01-07. Review status: criteria provided, single submitter. Criteria: ACMG Guidelines 2015 PMID 25741868. Collection method: clinical testing. Allele origin: germline. Affected: yes. Observed: 1 variant allele.
Comment: The frameshift variant (chr1:244855541T>TC), located in exon 12 (of 14), is not reported in the gnomAD v4.1 non-UKB or ClinVar databases, nor was it found in the scientific literature. This variant promotes a change in the reading frame with subsequent introduction of a premature stop codon, resulting in a truncated protein or mRNA degradation via nonsense-mediated decay (NMD). According to currently available evidence, this variant has been classified as likely pathogenic (PVS1, PM2_P).

NM_031844.3(HNRNPU):c.2234dup (p.Ser746fs)

Gene: HNRNPU (heterogeneous nuclear ribonucleoprotein U; minus strand). Cytogenetic location: 1q44.
Variant type: Duplication.
Coding change: c.2234dup on transcript NM_031844.3 (MANE Select); coding-DNA position 2234, one base duplicated (G; older notation c.2234dupG).
Protein change: p.Ser746fs; shifts the reading frame from serine 746.
Molecular consequence: frameshift variant.
Genome position (GRCh38, 1-based): chr1:244,855,542, C duplicated on the plus strand (G on the coding strand, the reverse complement: HNRNPU is on the minus strand); the first of 2 consecutive C bases (chr1:244,855,542-244,855,543); duplicating either gives the same sequence. VCF-style (leftmost placement, unchanged base first): chr1-244855541-T-TC. GRCh37 (hg19) VCF-style: chr1-245018843-T-TC.
Other names: c.2177dup, p.Ser727fs (NM_004501.3); short protein forms S727fs, S746fs.
Identifiers: ClinVar variation 4814137 (VCV004814137.1).